The following is an entry in ClinVar:

NM_000548.5(TSC2):c.1098_1100del (p.Arg367del)

Gene: TSC2 (TSC complex subunit 2; plus strand). Cytogenetic location: 16p13.3.
Variant type: Deletion.
Coding change: c.1098_1100del on transcript NM_000548.5 (MANE Select); coding-DNA positions 1098 to 1100, 3 bases deleted (ACG; older notation c.1098_1100delACG).
Protein change: p.Arg367del; deletes arginine 367.
Molecular consequence: inframe deletion. On other transcripts: inframe indel (22).
Genome position (GRCh38, 1-based): chr16:2,060,792-2,060,794, ACG deleted. VCF-style (leftmost placement, unchanged base first): chr16-2060791-AACG-A. GRCh37 (hg19) VCF-style: chr16-2110792-AACG-A.
Other names: c.1098_1100del, p.Arg367del (NM_001077183.3, NM_001114382.3, NM_001363528.2 and 3 more transcripts); c.987_989del, p.Arg330del (NM_001318827.2); c.951_953del, p.Arg318del (NM_001318829.2); c.498_500del, p.Arg167del (NM_001318831.2); c.1131_1133del, p.Arg378del (NM_001318832.2); c.1098_1100delACG, p.Arg367del (NM_001406663.1, NM_001406664.1, NM_001406665.1); c.1188_1190delACG, p.Arg397del (NM_001406667.1, NM_001406668.1); c.987_989delACG, p.Arg330del (NM_001406670.1, NM_001406678.1); and 8 more; short protein forms R167del, R213del, R318del, R367del, R330del, R363del, R378del, R397del.
Identifiers: ClinVar variation 2086493 (VCV002086493.4), dbSNP rs2548523097, ClinGen allele CA2580090700.
Genomic context (GRCh38, chr16:2,060,791, plus strand): 5'-TCAAGAAGTATAGGAAGGAGCTCCAGGTGGTGGCGTGGGACATTCTGCTGAACATCATCG[AACG>A]GCTCCTTCAGCAGCTCCAGGTGGGGTGGGGGCAGGAGCTCCGGGGAGCACCGGGAACCCA-3'

ClinVar aggregate classification (germline): Likely pathogenic (1 of 4 stars; one submission).

Conditions:
Tuberous sclerosis 2 (TSC2). Identifiers: Orphanet 805, MedGen C1860707, MONDO:0013199, OMIM 613254.

Submission:

Labcorp Genetics (formerly Invitae), Labcorp
Classification: Likely pathogenic for Tuberous sclerosis 2. Last evaluated: 2022-04-05. Review status: criteria provided, single submitter. Criteria: Invitae Variant Classification Sherloc (09022015). Collection method: clinical testing. Allele origin: germline.
Comment: This variant, c.1098_1100del, results in the deletion of 1 amino acid(s) of the TSC2 protein (p.Arg367del), but otherwise preserves the integrity of the reading frame. This variant is not present in population databases (gnomAD no frequency). This variant has been observed in individual(s) with tuberous sclerosis complex (Invitae). In at least one individual the variant was observed to be de novo. In summary, the currently available evidence indicates that the variant is pathogenic, but additional data are needed to prove that conclusively. Therefore, this variant has been classified as Likely Pathogenic.